The following is an entry in ClinVar:

ClinVar aggregate classification (germline): Conflicting classifications of pathogenicity. Review status: criteria provided, conflicting classifications (1 of 4 stars). 4 submissions from 4 submitters: Uncertain significance (3); Likely benign (1). Last evaluated 2025-10-23.

Conditions:
Hereditary cancer-predisposing syndrome. Also called: Hereditary neoplastic syndrome; Neoplastic Syndromes, Hereditary; Tumor predisposition; Hereditary Cancer Syndrome. Identifiers: Orphanet 140162, MedGen C0027672, MeSH D009386, MONDO:0015356.
Hereditary breast ovarian cancer syndrome. Also called: Hereditary breast and ovarian cancer syndrome (HBOC); Breast and ovarian cancer; Hereditary breast and/or ovarian cancer syndrome; BRCA1- and BRCA2-Associated Hereditary Breast and Ovarian Cancer; Hereditary breast and ovarian cancer syndrome; Hereditary breast and ovarian cancer. Identifiers: Orphanet 145, MedGen C0677776, MeSH D061325, MONDO:0003582. Disease mechanism: loss of function.

Submissions (4):

Ambry Genetics
Classification: Uncertain significance for Hereditary cancer-predisposing syndrome. Last evaluated: 2025-10-23. Review status: criteria provided, single submitter. Criteria: Ambry Variant Classification Scheme 2023. Collection method: clinical testing. Allele origin: germline.
Comment: The p.Q1998P variant (also known as c.5993A>C), located in coding exon 10 of the BRCA2 gene, results from an A to C substitution at nucleotide position 5993. The glutamine at codon 1998 is replaced by proline, an amino acid with similar properties. This alteration has been reported with a carrier frequency of 0 in 7051 unselected breast cancer patients and 0.00018 in 11241 female controls of Japanese ancestry (Momozawa Y et al. Nat Commun, 2018 10;9:4083). This amino acid position is well conserved in available vertebrate species. In addition, the in silico prediction for this alteration is inconclusive. Since supporting evidence is limited at this time, the clinical significance of this alteration remains unclear.

Labcorp Genetics (formerly Invitae), Labcorp
Classification: Uncertain significance for Hereditary breast ovarian cancer syndrome. Last evaluated: 2025-07-07. Review status: criteria provided, single submitter. Criteria: Invitae Variant Classification Sherloc (09022015). Collection method: clinical testing. Allele origin: germline.
Comment: This sequence change replaces glutamine, which is neutral and polar, with proline, which is neutral and non-polar, at codon 1998 of the BRCA2 protein (p.Gln1998Pro). This variant is not present in population databases (gnomAD no frequency). This variant has not been reported in the literature in individuals affected with BRCA2-related conditions. ClinVar contains an entry for this variant (Variation ID: 185301). Invitae Evidence Modeling of protein sequence and biophysical properties (such as structural, functional, and spatial information, amino acid conservation, physicochemical variation, residue mobility, and thermodynamic stability) indicates that this missense variant is not expected to disrupt BRCA2 protein function with a negative predictive value of 95%. In summary, the available evidence is currently insufficient to determine the role of this variant in disease. Therefore, it has been classified as a Variant of Uncertain Significance.

University of Washington Department of Laboratory Medicine, University of Washington
Classification: Likely benign for Hereditary cancer-predisposing syndrome. Last evaluated: 2023-03-23. Review status: criteria provided, single submitter. Criteria: Dines et al. (Genet Med. 2020). Collection method: curation. Allele origin: germline.
Comment: Missense variant in a coldspot region where missense variants are very unlikely to be pathogenic (PMID:31911673).

BRCA2 exon 11 coldspot. Reclassification based on statistical prior probability.

Quest Diagnostics Nichols Institute San Juan Capistrano
Classification: Uncertain significance. Last evaluated: 2018-05-30. Review status: criteria provided, single submitter. Criteria: Quest Diagnostics criteria. Collection method: clinical testing. Allele origin: germline.

Literature cited by the submitters: PubMed 30287823 (cited by Ambry Genetics).

NM_000059.4(BRCA2):c.5993A>C (p.Gln1998Pro)

Gene: BRCA2 (BRCA2 DNA repair associated; plus strand). Cytogenetic location: 13q13.1.
Variant type: single nucleotide variant.
Coding change: c.5993A>C on transcript NM_000059.4 (MANE Select); coding-DNA position 5993, A replaced by C.
Protein change: p.Gln1998Pro; replaces glutamine 1998 with proline.
Molecular consequence: missense variant.
Genome position (GRCh38, 1-based): chr13:32,340,348, A>C. VCF-style: chr13-32340348-A-C. GRCh37 (hg19) VCF-style: chr13-32914485-A-C.
Other names: short protein forms Q1998P.
Identifiers: ClinVar variation 185301 (VCV000185301.14), dbSNP rs80358835, ClinGen allele CA023474.
Genomic context (GRCh38, chr13:32,340,348, plus strand): 5'-TTAGCACAGCAAGTGGAAAATCTGTCCAGGTATCAGATGCTTCATTACAAAACGCAAGAC[A>C]AGTGTTTTCTGAAATAGAAGATAGTACCAAGCAAGTCTTTTCCAAAGTATTGTTTAAAAG-3'
Protein context (NP_000050.3, residues 1988-2008): VSDASLQNAR[Gln1998Pro]VFSEIEDSTK